The following is an entry in ClinVar:

ClinVar aggregate classification (germline): Uncertain significance (1 of 4 stars; one submission).

Conditions:
Combined oxidative phosphorylation defect type 17. Also called: Combined oxidative phosphorylation deficiency 17. Identifiers: Orphanet 369913, MedGen C3809526, MONDO:0014190, OMIM 615440.

gnomAD v4.1: 6 of 1,607,972 alleles (0.00037%); highest among the groups gnomAD compares: Non-Finnish European, 0.00051%; no homozygotes.

Submission:

Labcorp Genetics (formerly Invitae), Labcorp
Classification: Uncertain significance for Combined oxidative phosphorylation defect type 17. Last evaluated: 2023-10-04. Review status: criteria provided, single submitter. Criteria: Invitae Variant Classification Sherloc (09022015). Collection method: clinical testing. Allele origin: germline.
Comment: This sequence change replaces serine, which is neutral and polar, with tyrosine, which is neutral and polar, at codon 52 of the ELAC2 protein (p.Ser52Tyr). The frequency data for this variant in the population databases is considered unreliable, as metrics indicate poor data quality at this position in the gnomAD database. This variant has not been reported in the literature in individuals affected with ELAC2-related conditions. ClinVar contains an entry for this variant (Variation ID: 1424760). An algorithm developed to predict the effect of missense changes on protein structure and function (PolyPhen-2) suggests that this variant is likely to be tolerated. In summary, the available evidence is currently insufficient to determine the role of this variant in disease. Therefore, it has been classified as a Variant of Uncertain Significance.

NM_018127.7(ELAC2):c.155C>A (p.Ser52Tyr)

Gene: ELAC2 (elaC ribonuclease Z 2; minus strand). Cytogenetic location: 17p12.
Variant type: single nucleotide variant.
Coding change: c.155C>A on transcript NM_018127.7 (MANE Select); coding-DNA position 155, C replaced by A.
Protein change: p.Ser52Tyr; replaces serine 52 with tyrosine.
Molecular consequence: missense variant.
Genome position (GRCh38, 1-based): chr17:13,017,793, G>T on the plus strand (C>A on the coding strand, the complement: ELAC2 is on the minus strand). VCF-style: chr17-13017793-G-T. GRCh37 (hg19) VCF-style: chr17-12921110-G-T.
Other names: c.155C>A, p.Ser52Tyr (NM_001165962.2, NM_173717.2); short protein forms S52Y.
Identifiers: ClinVar variation 1424760 (VCV001424760.6), dbSNP rs9895963, ClinGen allele CA8401826.